The following is an entry in ClinVar:

NM_001377.3(DYNC2H1):c.7486C>T (p.Pro2496Ser)

Gene: DYNC2H1 (dynein cytoplasmic 2 heavy chain 1; plus strand). Cytogenetic location: 11q22.3.
Variant type: single nucleotide variant.
Coding change: c.7486C>T on transcript NM_001377.3 (MANE Select); coding-DNA position 7486, C replaced by T.
Protein change: p.Pro2496Ser; replaces proline 2496 with serine.
Molecular consequence: missense variant.
Genome position (GRCh38, 1-based): chr11:103,191,565, C>T. VCF-style: chr11-103191565-C-T. GRCh37 (hg19) VCF-style: chr11-103062294-C-T.
Other names: c.7486C>T, p.Pro2496Ser (NM_001080463.2); short protein forms P2496S.
Identifiers: ClinVar variation 40069 (VCV000040069.2), dbSNP rs397514636, ClinGen allele CA210577.

ClinVar aggregate classification (germline): Uncertain significance. Review status: criteria provided, single submitter (1 of 4 stars). 2 submissions from 2 submitters: Uncertain significance (1). 1 of the submissions does not count toward it. Last evaluated 2025-03-10.

Conditions:
Asphyxiating thoracic dystrophy 3. Also called: Saldino-Noonan Syndrome; SHORT-RIB THORACIC DYSPLASIA 3 WITH OR WITHOUT POLYDACTYLY; POLYDACTYLY WITH NEONATAL CHONDRODYSTROPHY, TYPE I; SHORT-RIB THORACIC DYSPLASIA 3/6 WITH POLYDACTYLY, DIGENIC; Short rib polydactyly syndrome 2B. Identifiers: Orphanet 474, Orphanet 93269, Orphanet 93270, Orphanet 93271, MedGen C0036069, MONDO:0013127, OMIM 613091.

Submissions (2):

Women's Health and Genetics/Laboratory Corporation of America, LabCorp
Classification: Uncertain significance. Last evaluated: 2025-03-10. Review status: criteria provided, single submitter. Criteria: LabCorp Variant Classification Summary - May 2015. Collection method: clinical testing. Allele origin: germline.
Comment: Variant summary: DYNC2H1 c.7486C>T (p.Pro2496Ser) results in a non-conservative amino acid change located in the Dynein heavy chain, ATPase lid domain (IPR054354) of the encoded protein sequence. Four of five in-silico tools predict a damaging effect of the variant on protein function. The variant was absent in 243918 control chromosomes. The available data on variant occurrences in the general population are insufficient to allow any conclusion about variant significance. c.7486C>T has been reported in the literature in one individual affected with Short-rib thoracic dysplasia (El Hokayem_2012). These report(s) do not provide unequivocal conclusions about association of the variant with Short-rib thoracic dysplasia. To our knowledge, no experimental evidence demonstrating an impact on protein function has been reported. The following publication has been ascertained in the context of this evaluation (PMID: 22499340). ClinVar contains an entry for this variant (Variation ID: 40069). Based on the evidence outlined above, the variant was classified as uncertain significance.

OMIM
Classification: Pathogenic for SHORT-RIB THORACIC DYSPLASIA 3 WITH POLYDACTYLY. Last evaluated: 2012-04-01. Review status: no assertion criteria provided. Collection method: literature only. Allele origin: germline. Not counted in ClinVar's aggregate classification.

Literature cited by the submitters: PubMed 22499340 (cited by Women's Health and Genetics/Laboratory Corporation of America, LabCorp and OMIM).